The following is an entry in ClinVar:

NM_002103.5(GYS1):c.1307A>G (p.Gln436Arg)

Gene: GYS1 (glycogen synthase 1; minus strand). Cytogenetic location: 19q13.33.
Variant type: single nucleotide variant.
Coding change: c.1307A>G on transcript NM_002103.5 (MANE Select); coding-DNA position 1307, A replaced by G.
Protein change: p.Gln436Arg; replaces glutamine 436 with arginine.
Molecular consequence: missense variant. On other transcripts: non-coding transcript variant (1).
Genome position (GRCh38, 1-based): chr19:48,977,925, T>C on the plus strand (A>G on the coding strand, the complement: GYS1 is on the minus strand). VCF-style: chr19-48977925-T-C. GRCh37 (hg19) VCF-style: chr19-49481182-T-C.
Other names: c.1115A>G, p.Gln372Arg (NM_001161587.2); short protein forms Q372R, Q436R.
Identifiers: ClinVar variation 3730637 (VCV003730637.2).
Genomic context (GRCh38, chr19:48,977,925, plus strand): 5'-AAGCTGCCTCTGGGGCTGCCAGGAACTGCTATCTCTCTGCACAGAGGTCCAATCCATACC[T>C]GCGTTGCAAAGATGGCTCTCTTCATCATAGTGAAGTCTTCCTTATCCAGCATCTTGTTCA-3'
Protein context (NP_002094.2, residues 426-446): TMMKRAIFAT[Gln436Arg]RQSFPPVCTH

ClinVar aggregate classification (germline): Uncertain significance (1 of 4 stars; one submission).

Conditions:
Glycogen storage disease due to muscle and heart glycogen synthase deficiency. Also called: GSD 0b; MUSCLE GLYCOGEN SYNTHASE DEFICIENCY. Identifiers: Orphanet 137625, MedGen C1969054, MONDO:0012693, OMIM 611556.

gnomAD v4.1: 11 of 1,611,866 alleles (0.00068%); highest among the groups gnomAD compares: Admixed American, 0.0017%; no homozygotes.

Submission:

Labcorp Genetics (formerly Invitae), Labcorp
Classification: Uncertain significance for Glycogen storage disease due to muscle and heart glycogen synthase deficiency. Last evaluated: 2024-05-28. Review status: criteria provided, single submitter. Criteria: Invitae Variant Classification Sherloc (09022015). Collection method: clinical testing. Allele origin: germline.
Comment: This sequence change replaces glutamine, which is neutral and polar, with arginine, which is basic and polar, at codon 436 of the GYS1 protein (p.Gln436Arg). This variant is present in population databases (no rsID available, gnomAD 0.007%). This variant has not been reported in the literature in individuals affected with GYS1-related conditions. An algorithm developed to predict the effect of missense changes on protein structure and function (PolyPhen-2) suggests that this variant is likely to be disruptive. In summary, the available evidence is currently insufficient to determine the role of this variant in disease. Therefore, it has been classified as a Variant of Uncertain Significance.